The following is an entry in ClinVar:

ClinVar aggregate classification (germline): Uncertain significance. Review status: criteria provided, multiple submitters, no conflicts (2 of 4 stars). 2 submissions from 2 submitters: Uncertain significance (2). Last evaluated 2026-05-29.

Allele frequency attached by ClinVar (database versions not stated): ExAC 0.00001; TOPMed 0.00003; gnomAD 0.00001.
gnomAD v4.1: 7 of 1,613,660 alleles (0.00043%); highest among the groups gnomAD compares: Admixed American, 0.012%; no homozygotes.

Submissions (2):

GeneDx
Classification: Uncertain significance. Last evaluated: 2026-05-29. Review status: criteria provided, single submitter. Criteria: GeneDx Variant Classification Process June 2021. Collection method: clinical testing. Allele origin: germline.
Comment: Has not been previously published as pathogenic or benign to our knowledge; In silico analysis suggests this variant may impact gene splicing. In the absence of RNA/functional studies, the actual effect of this sequence change is unknown.

Labcorp Genetics (formerly Invitae), Labcorp
Classification: Uncertain significance. Last evaluated: 2022-07-12. Review status: criteria provided, single submitter. Criteria: Invitae Variant Classification Sherloc (09022015). Collection method: clinical testing. Allele origin: germline.
Comment: This sequence change affects codon 2894 of the USH2A mRNA. It is a 'silent' change, meaning that it does not change the encoded amino acid sequence of the USH2A protein. It affects a nucleotide within the consensus splice site. This variant is present in population databases (rs773808835, gnomAD 0.02%). This variant has not been reported in the literature in individuals affected with USH2A-related conditions. ClinVar contains an entry for this variant (Variation ID: 1043597). Algorithms developed to predict the effect of sequence changes on RNA splicing suggest that this variant may create or strengthen a splice site. In summary, the available evidence is currently insufficient to determine the role of this variant in disease. Therefore, it has been classified as a Variant of Uncertain Significance.

NM_206933.4(USH2A):c.8682G>A (p.Arg2894=)

Gene: USH2A (usherin; minus strand). Cytogenetic location: 1q41.
Variant type: single nucleotide variant.
Coding change: c.8682G>A on transcript NM_206933.4 (MANE Select); coding-DNA position 8682, G replaced by A.
Protein change: p.Arg2894=; no amino-acid change (arginine 2894 retained).
Molecular consequence: synonymous variant.
Genome position (GRCh38, 1-based): chr1:215,867,170, C>T on the plus strand (G>A on the coding strand, the complement: USH2A is on the minus strand). VCF-style: chr1-215867170-C-T. GRCh37 (hg19) VCF-style: chr1-216040512-C-T.
Other names: c.8682G>A (NM_206933.2).
Identifiers: ClinVar variation 1043597 (VCV001043597.6), dbSNP rs773808835, ClinGen allele CA1394535.